The following is an entry in ClinVar:

NM_000038.6(APC):c.7208A>C (p.Gln2403Pro)

Gene: APC (APC regulator of Wnt signaling pathway; plus strand). Cytogenetic location: 5q22.2.
Variant type: single nucleotide variant.
Coding change: c.7208A>C on transcript NM_000038.6 (MANE Select); coding-DNA position 7208, A replaced by C.
Protein change: p.Gln2403Pro; replaces glutamine 2403 with proline.
Molecular consequence: missense variant.
Genome position (GRCh38, 1-based): chr5:112,842,802, A>C. VCF-style: chr5-112842802-A-C. GRCh37 (hg19) VCF-style: chr5-112178499-A-C.
Other names: c.7208A>C, p.Gln2403Pro (NM_001127510.3, NM_001354895.2); c.7154A>C, p.Gln2385Pro (NM_001127511.3); c.7262A>C, p.Gln2421Pro (NM_001354896.2); c.7238A>C, p.Gln2413Pro (NM_001354897.2); c.7133A>C, p.Gln2378Pro (NM_001354898.2); c.7124A>C, p.Gln2375Pro (NM_001354899.2); c.7085A>C, p.Gln2362Pro (NM_001354900.2); c.7031A>C, p.Gln2344Pro (NM_001354901.2); and 5 more; short protein forms Q2385P, Q2403P, Q2344P, Q2375P, Q2378P, Q2413P, Q2421P, Q2243P.
Identifiers: ClinVar variation 233880 (VCV000233880.12), dbSNP rs876660705, ClinGen allele CA10578440.

ClinVar aggregate classification (germline): Uncertain significance. Review status: criteria provided, multiple submitters, no conflicts (2 of 4 stars). 2 submissions from 2 submitters: Uncertain significance (2). Last evaluated 2025-04-30.

Conditions:
Familial adenomatous polyposis 1 (FAP1). Also called: FAMILIAL ADENOMATOUS POLYPOSIS 1, ATTENUATED; POLYPOSIS, ADENOMATOUS INTESTINAL. Identifiers: MedGen C2713442, MONDO:0021056, OMIM 175100. Disease mechanism: loss of function.
Hereditary cancer-predisposing syndrome. Also called: Neoplastic Syndromes, Hereditary; Tumor predisposition; Hereditary Cancer Syndrome; Hereditary neoplastic syndrome. Identifiers: Orphanet 140162, MedGen C0027672, MeSH D009386, MONDO:0015356.

Allele frequency attached by ClinVar (database versions not stated): gnomAD exomes below 0.00001.
gnomAD v4.1: 2 of 1,613,652 alleles (0.00012%); highest among the groups gnomAD compares: Non-Finnish European, 0.00017%; no homozygotes.

Submissions (2):

Labcorp Genetics (formerly Invitae), Labcorp
Classification: Uncertain significance for Familial adenomatous polyposis 1. Last evaluated: 2025-04-30. Review status: criteria provided, single submitter. Criteria: Invitae Variant Classification Sherloc (09022015). Collection method: clinical testing. Allele origin: germline.
Comment: This sequence change replaces glutamine, which is neutral and polar, with proline, which is neutral and non-polar, at codon 2403 of the APC protein (p.Gln2403Pro). This variant is not present in population databases (gnomAD no frequency). This variant has not been reported in the literature in individuals affected with APC-related conditions. ClinVar contains an entry for this variant (Variation ID: 233880). Invitae Evidence Modeling of protein sequence and biophysical properties (such as structural, functional, and spatial information, amino acid conservation, physicochemical variation, residue mobility, and thermodynamic stability) indicates that this missense variant is not expected to disrupt APC protein function with a negative predictive value of 95%. In summary, the available evidence is currently insufficient to determine the role of this variant in disease. Therefore, it has been classified as a Variant of Uncertain Significance.

Ambry Genetics
Classification: Uncertain significance for Hereditary cancer-predisposing syndrome. Last evaluated: 2025-01-20. Review status: criteria provided, single submitter. Criteria: Ambry Variant Classification Scheme 2023. Collection method: clinical testing. Allele origin: germline.
Comment: The p.Q2403P variant (also known as c.7208A>C), located in coding exon 15 of the APC gene, results from an A to C substitution at nucleotide position 7208. The glutamine at codon 2403 is replaced by proline, an amino acid with similar properties. This amino acid position is highly conserved in available vertebrate species. In addition, in silico predictors for this gene do not accurately predict pathogenicity. Missense alterations in APC are not a common cause of disease (Spier I et al. Genet Med. 2024 Feb;26(2):100992). Based on the available evidence, the clinical significance of this variant remains unclear.